The following is an entry in ClinVar:

NM_000548.5(TSC2):c.2923T>C (p.Phe975Leu)

Gene: TSC2 (TSC complex subunit 2; plus strand). Cytogenetic location: 16p13.3.
Variant type: single nucleotide variant.
Coding change: c.2923T>C on transcript NM_000548.5 (MANE Select); coding-DNA position 2923, T replaced by C.
Protein change: p.Phe975Leu; replaces phenylalanine 975 with leucine.
Molecular consequence: missense variant. On other transcripts: intron variant (31).
Genome position (GRCh38, 1-based): chr16:2,077,683, T>C. VCF-style: chr16-2077683-T-C. GRCh37 (hg19) VCF-style: chr16-2127684-T-C.
Other names: c.2237+1098T>C (NM_001406685.1, NM_001318831.2, NM_001406688.1 and 2 more transcripts); c.2780+1098T>C (NM_001406677.1); c.2690+1098T>C (NM_001318829.2, NM_001406679.1); c.2870+1098T>C (NM_001318832.2); c.2923T>C, p.Phe975Leu (NM_001114382.3, NM_001406663.1, NM_001406664.1); c.2812T>C, p.Phe938Leu (NM_001406670.1); c.2776T>C, p.Phe926Leu (NM_001406675.1, NM_001406676.1); c.2323T>C, p.Phe775Leu (NM_001406680.1, NM_001406682.1, NM_001406683.1 and 1 more transcripts); and 8 more; short protein forms F775L, F926L, F938L, F975L, F527L.
Identifiers: ClinVar variation 5031307 (VCV005031307.1).

ClinVar aggregate classification (germline): Uncertain significance (1 of 4 stars; one submission).

Conditions:
Hereditary cancer-predisposing syndrome. Also called: Neoplastic Syndromes, Hereditary; Tumor predisposition; Hereditary neoplastic syndrome; Hereditary Cancer Syndrome. Identifiers: Orphanet 140162, MedGen C0027672, MeSH D009386, MONDO:0015356.

Submission:

Ambry Genetics
Classification: Uncertain significance for Hereditary cancer-predisposing syndrome. Last evaluated: 2026-06-29. Review status: criteria provided, single submitter. Criteria: Ambry Variant Classification Scheme 2023. Collection method: clinical testing. Allele origin: germline.
Comment: The p.F975L variant (also known as c.2923T>C), located in coding exon 25 of the TSC2 gene, results from a T to C substitution at nucleotide position 2923. The phenylalanine at codon 975 is replaced by leucine, an amino acid with highly similar properties. This amino acid position is conserved. In addition, this alteration is predicted to be deleterious by in silico analysis. Based on the available evidence, the clinical significance of this variant remains unclear.